The following is an entry in ClinVar:

ClinVar aggregate classification (germline): Likely benign. Review status: criteria provided, multiple submitters, no conflicts (2 of 4 stars). 2 submissions from 2 submitters: Likely benign (2). Last evaluated 2023-11-02.

Conditions:
Cardiomyopathy (CMYO). Also called: Cardiomyopathies. Identifiers: Orphanet 167848, MedGen C0878544, MONDO:0004994, HP:0001638. Inheritance: Various modes of inheritance.
Catecholaminergic polymorphic ventricular tachycardia (CVPT). Also called: Catecholamine-induced polymorphic ventricular tachycardia. Identifiers: Orphanet 3286, MedGen C5574922, MONDO:0017990.

Allele frequency attached by ClinVar (database versions not stated): gnomAD exomes below 0.00001.
gnomAD v4.1: 1 of 1,613,918 alleles (0.000062%); highest among the groups gnomAD compares: Non-Finnish European, 0.000085%; no homozygotes.

Submissions (2):

All of Us Research Program, National Institutes of Health
Classification: Likely benign for Catecholaminergic polymorphic ventricular tachycardia. Last evaluated: 2023-11-02. Review status: criteria provided, single submitter. Criteria: ACMG Guidelines, 2015. Collection method: clinical testing. Allele origin: germline. Inheritance: Autosomal dominant inheritance. Observed: 1 variant allele, 1 heterozygote.
Comment: This study involves interpretation of variants in research participants for the purpose of population health screening. Participant phenotype was not available at the time of variant classification. Additional details can be found in publication PMID: 35346344, PMCID: PMC8962531

Color Diagnostics, LLC DBA Color Health
Classification: Likely benign for Cardiomyopathy. Last evaluated: 2019-10-22. Review status: criteria provided, single submitter. Criteria: ACMG Guidelines, 2015. Collection method: clinical testing. Allele origin: germline.

NM_001035.3(RYR2):c.2553G>A (p.Leu851=)

Gene: RYR2 (ryanodine receptor 2; plus strand). Cytogenetic location: 1q43.
Variant type: single nucleotide variant.
Coding change: c.2553G>A on transcript NM_001035.3 (MANE Select); coding-DNA position 2553, G replaced by A.
Protein change: p.Leu851=; no amino-acid change (leucine 851 retained).
Molecular consequence: synonymous variant.
Genome position (GRCh38, 1-based): chr1:237,503,445, G>A. VCF-style: chr1-237503445-G-A. GRCh37 (hg19) VCF-style: chr1-237666745-G-A.
Identifiers: ClinVar variation 923593 (VCV000923593.3), dbSNP rs1664875424, ClinGen allele CA423816470.